The following is an entry in ClinVar:

ClinVar aggregate classification (germline): Uncertain significance (1 of 4 stars; one submission).

Conditions:
Deficiency of aromatic-L-amino-acid decarboxylase. Also called: Aromatic L-Amino Acid Decarboxylase Deficiency; AADC DEFICIENCY; DDC DEFICIENCY; DOPA DECARBOXYLASE DEFICIENCY; Aromatic amino acid decarboxylase deficiency. Identifiers: Orphanet 35708, MedGen C1291564, MONDO:0012084, OMIM 608643.

Allele frequency attached by ClinVar (database versions not stated): gnomAD 0.00001; gnomAD exomes 0.00001.
gnomAD v4.1: 4 of 1,614,108 alleles (0.00025%); highest among the groups gnomAD compares: Middle Eastern, 0.016%; no homozygotes.

Submission:

Labcorp Genetics (formerly Invitae), Labcorp
Classification: Uncertain significance for Deficiency of aromatic-L-amino-acid decarboxylase. Last evaluated: 2023-05-20. Review status: criteria provided, single submitter. Criteria: Invitae Variant Classification Sherloc (09022015). Collection method: clinical testing. Allele origin: germline.
Comment: In summary, the available evidence is currently insufficient to determine the role of this variant in disease. Therefore, it has been classified as a Variant of Uncertain Significance. Advanced modeling of protein sequence and biophysical properties (such as structural, functional, and spatial information, amino acid conservation, physicochemical variation, residue mobility, and thermodynamic stability) has been performed at Invitae for this missense variant, however the output from this modeling did not meet the statistical confidence thresholds required to predict the impact of this variant on DDC protein function. This variant has not been reported in the literature in individuals affected with DDC-related conditions. This variant is present in population databases (no rsID available, gnomAD 0.006%). This sequence change replaces aspartic acid, which is acidic and polar, with glutamic acid, which is acidic and polar, at codon 395 of the DDC protein (p.Asp395Glu).

NM_001082971.2(DDC):c.1185T>A (p.Asp395Glu)

Gene: DDC (dopa decarboxylase; minus strand). Cytogenetic location: 7p12.2.
Variant type: single nucleotide variant.
Coding change: c.1185T>A on transcript NM_001082971.2 (MANE Select); coding-DNA position 1185, T replaced by A.
Protein change: p.Asp395Glu; replaces aspartic acid 395 with glutamic acid.
Molecular consequence: missense variant.
Genome position (GRCh38, 1-based): chr7:50,467,271, A>T on the plus strand (T>A on the coding strand, the complement: DDC is on the minus strand). VCF-style: chr7-50467271-A-T. GRCh37 (hg19) VCF-style: chr7-50534969-A-T.
Other names: c.1185T>A, p.Asp395Glu (NM_000790.4); c.1071T>A, p.Asp357Glu (NM_001242886.2); c.1041T>A, p.Asp347Glu (NM_001242887.2); c.951T>A, p.Asp317Glu (NM_001242888.2); c.906T>A, p.Asp302Glu (NM_001242889.2); short protein forms D347E, D357E, D395E, D302E, D317E.
Identifiers: ClinVar variation 3003355 (VCV003003355.3), dbSNP rs773297272, ClinGen allele CA367531623.